The following is an entry in ClinVar:

NM_000256.3(MYBPC3):c.1210C>T (p.Gln404Ter)

Gene: MYBPC3 (myosin binding protein C3; minus strand). Cytogenetic location: 11p11.2.
Variant type: single nucleotide variant.
Coding change: c.1210C>T on transcript NM_000256.3 (MANE Select); coding-DNA position 1210, C replaced by T.
Protein change: p.Gln404Ter; replaces glutamine 404 with a stop codon.
Molecular consequence: nonsense.
Genome position (GRCh38, 1-based): chr11:47,343,505, G>A on the plus strand (C>T on the coding strand, the complement: MYBPC3 is on the minus strand). VCF-style: chr11-47343505-G-A. GRCh37 (hg19) VCF-style: chr11-47365056-G-A.
Other names: short protein forms Q404*.
Identifiers: ClinVar variation 177796 (VCV000177796.20), dbSNP rs727504329, ClinGen allele CA009860.

ClinVar aggregate classification (germline): Pathogenic. Review status: criteria provided, multiple submitters, no conflicts (2 of 4 stars). 5 submissions from 5 submitters: Pathogenic (5). Last evaluated 2026-09-10.

Conditions:
Cardiovascular phenotype. Identifiers: MedGen CN230736.
Cardiomyopathy (CMYO). Also called: Cardiomyopathies. Identifiers: Orphanet 167848, MedGen C0878544, MONDO:0004994, HP:0001638. Inheritance: Various modes of inheritance.
Hypertrophic cardiomyopathy. Also called: HYPERTROPHIC MYOCARDIOPATHY. Identifiers: Orphanet 217569, MedGen C0007194, MeSH D002312, MONDO:0005045, HP:0001639.

Allele frequency attached by ClinVar (database versions not stated): gnomAD exomes below 0.00001.

Submissions (5):

GeneDx
Classification: Pathogenic. Last evaluated: 2026-09-10. Review status: criteria provided, single submitter. Criteria: GeneDx Variant Classification Process June 2021. Collection method: clinical testing. Allele origin: germline.
Comment: Nonsense variant predicted to result in protein truncation or nonsense mediated decay in a gene for which loss of function is a known mechanism of disease; Not observed at significant frequency in large population cohorts (gnomAD); This variant is associated with the following publications: (PMID: 27532257, 33087929, 33190526, 25611685, 19996403, 36264615, 37652022, 38456273)

Molecular Diagnostic Laboratory for Inherited Cardiovascular Disease, Montreal Heart Institute
Classification: Pathogenic for Cardiovascular phenotype. Last evaluated: 2026-05-12. Review status: criteria provided, single submitter. Criteria: ACMG Guidelines, 2015. Collection method: clinical testing. Allele origin: germline. Affected: yes.
Comment: PVS1, PS4_mod, PM2, PP1

Labcorp Genetics (formerly Invitae), Labcorp
Classification: Pathogenic for Hypertrophic cardiomyopathy. Last evaluated: 2026-01-12. Review status: criteria provided, single submitter. Criteria: Invitae Variant Classification Sherloc (09022015). Collection method: clinical testing. Allele origin: germline.
Comment: This sequence change creates a premature translational stop signal (p.Gln404*) in the MYBPC3 gene. It is expected to result in an absent or disrupted protein product. Loss-of-function variants in MYBPC3 are known to be pathogenic (PMID: 19574547). This variant is not present in population databases (gnomAD no frequency). This premature translational stop signal has been observed in individual(s) with dilated cardiomyopathy or hypertrophic cardiomyopathy (PMID: 19996403; internal data). ClinVar contains an entry for this variant (Variation ID: 177796). Algorithms developed to predict the effect of sequence changes on RNA splicing suggest that this variant may disrupt the consensus splice site. For these reasons, this variant has been classified as Pathogenic.

Color Diagnostics, LLC DBA Color Health
Classification: Pathogenic for Cardiomyopathy. Last evaluated: 2025-07-01. Review status: criteria provided, single submitter. Criteria: ACMG Guidelines, 2015. Collection method: clinical testing. Allele origin: germline.
Comment: This variant changes 1 nucleotide in exon 13 of the MYBPC3 gene, creating a premature translation stop signal. This variant is expected to result in an absent or non-functional protein product. This variant has been reported in an individual affected with hypertrophic cardiomyopathy (PMID: 24793961, 33190526). This variant has also been reported in the compound heterozygous state in an individual affected with familial dilated cardiomyopathy (PMID: 19996403). This variant has not been identified in the general population by the Genome Aggregation Database (gnomAD). Loss of MYBPC3 function is a known mechanism of disease. Based on the available evidence, this variant is classified as Pathogenic.

Laboratory for Molecular Medicine, Mass General Brigham Personalized Medicine
Classification: Pathogenic for Hypertrophic cardiomyopathy. Last evaluated: 2019-08-29. Review status: criteria provided, single submitter. Criteria: LMM Criteria. Collection method: clinical testing. Allele origin: germline. Inheritance: Autosomal dominant inheritance. Observed: 15 variant alleles.
Comment: The p.Gln404X variant in MYBPC3 has been identified in 3 individuals with HCM and segregated with disease from 2 affected relatives from 1 family (LMM data). It was absent from large population databases. This nonsense variant leads to a premature termination codon at position 404, which is predicted to lead to a truncated or absent protein. Loss of function of the MYBPC3 gene is an established disease mechanism in autosomal dominant HCM. In summary, this variant meets criteria to be classified as pathogenic for autosomal dominant HCM. ACMG/AMP Criteria applied: PVS1, PM2, PS4_Supporting.

Literature cited by the submitters: PubMed 19574547 (cited by Labcorp Genetics (formerly Invitae), Labcorp); PubMed 19996403 (cited by Labcorp Genetics (formerly Invitae), Labcorp and Color Diagnostics, LLC DBA Color Health); PubMed 24793961 (cited by Color Diagnostics, LLC DBA Color Health); PubMed 33190526 (cited by Color Diagnostics, LLC DBA Color Health).